The following is an entry in ClinVar:

ClinVar aggregate classification (germline): Benign. Review status: criteria provided, multiple submitters, no conflicts (2 of 4 stars). 3 submissions from 3 submitters: Benign (3). Last evaluated 2018-06-16.

Conditions:
Charcot-Marie-Tooth disease dominant intermediate C (CMTDIC). Also called: CHARCOT-MARIE-TOOTH NEUROPATHY, DOMINANT INTERMEDIATE C. Identifiers: Orphanet 100045, MedGen C1842237, MONDO:0012012, OMIM 608323.

Allele frequency attached by ClinVar (database versions not stated): 1000 Genomes Project 30x 0.02951; gnomAD exomes 0.03133; 1000 Genomes Project 0.02975; gnomAD 0.04523 and 0.04739; TOPMed 0.04741.
gnomAD v4.1: 16,423 of 453,694 alleles (3.6%); highest among the groups gnomAD compares: African/African-American, 7.6%; 404 homozygotes.

Submissions (3):

GeneDx
Classification: Benign. Last evaluated: 2018-06-16. Review status: criteria provided, single submitter. Criteria: GeneDx Variant Classification Process June 2021. Collection method: clinical testing. Allele origin: germline. Affected: yes.

Illumina Laboratory Services, Illumina
Classification: Benign for Charcot-Marie-Tooth disease dominant intermediate C. Last evaluated: 2018-01-12. Review status: criteria provided, single submitter. Criteria: ICSL Variant Classification Criteria 13 December 2019. Collection method: clinical testing. Allele origin: germline.
Comment: This variant was observed in the ICSL laboratory as part of a predisposition screen in an ostensibly healthy population. It had not been previously curated by ICSL or reported in the Human Gene Mutation Database (HGMD: prior to June 1st, 2018), and was therefore a candidate for classification through an automated scoring system. Utilizing variant allele frequency, disease prevalence and penetrance estimates, and inheritance mode, an automated score was calculated to assess if this variant is too frequent to cause the disease. Based on the score and internal cut-off values, a variant classified as benign is not then subjected to further curation. The score for this variant resulted in a classification of benign for this disease.

Breakthrough Genomics
Classification: Benign. Review status: criteria provided, single submitter. Criteria: ACMG Guidelines, 2015. Collection method: not provided. Allele origin: germline. Inheritance: Autosomal recessive inheritance. Affected: yes.

NM_003680.4(YARS1):c.*293A>G

Gene: YARS1 (tyrosyl-tRNA synthetase 1; minus strand). Cytogenetic location: 1p35.1.
Variant type: single nucleotide variant.
Coding change: c.*293A>G on transcript NM_003680.4 (MANE Select); 293 bases downstream of the stop codon, A replaced by G.
Molecular consequence: 3 prime UTR variant.
Genome position (GRCh38, 1-based): chr1:32,775,688, T>C on the plus strand (A>G on the coding strand, the complement: YARS1 is on the minus strand). VCF-style: chr1-32775688-T-C. GRCh37 (hg19) VCF-style: chr1-33241289-T-C.
Identifiers: ClinVar variation 297144 (VCV000297144.8), dbSNP rs16866009, ClinGen allele CA10610058.